The following is an entry in ClinVar:

ClinVar aggregate classification (germline): Benign (1 of 4 stars; one submission).

Conditions:
Autosomal recessive congenital ichthyosis 6 (ARCI6). Identifiers: Orphanet 313, Orphanet 79394, MedGen C2677065, MONDO:0012847, OMIM 612281.

Allele frequency attached by ClinVar (database versions not stated): 1000 Genomes Project 30x 0.02561; 1000 Genomes Project 0.02696; TOPMed 0.03411; gnomAD 0.03607 and 0.03616; gnomAD exomes 0.05556.
gnomAD v4.1: 5,581 of 152,330 alleles (3.7%); highest among the groups gnomAD compares: Middle Eastern, 6.1%; 130 homozygotes.

Submission:

Illumina Laboratory Services, Illumina
Classification: Benign for Autosomal recessive congenital ichthyosis 6. Last evaluated: 2018-01-12. Review status: criteria provided, single submitter. Criteria: ICSL Variant Classification Criteria 13 December 2019. Collection method: clinical testing. Allele origin: germline.
Comment: This variant was observed in the ICSL laboratory as part of a predisposition screen in an ostensibly healthy population. It had not been previously curated by ICSL or reported in the Human Gene Mutation Database (HGMD: prior to June 1st, 2018), and was therefore a candidate for classification through an automated scoring system. Utilizing variant allele frequency, disease prevalence and penetrance estimates, and inheritance mode, an automated score was calculated to assess if this variant is too frequent to cause the disease. Based on the score and internal cut-off values, a variant classified as benign is not then subjected to further curation. The score for this variant resulted in a classification of benign for this disease.

NM_001099287.2(NIPAL4):c.*1140G>T

Gene: NIPAL4 (NIPA like domain containing 4; plus strand). Cytogenetic location: 5q33.3.
Variant type: single nucleotide variant.
Coding change: c.*1140G>T on transcript NM_001099287.2 (MANE Select); 1140 bases downstream of the stop codon, G replaced by T.
Molecular consequence: 3 prime UTR variant.
Genome position (GRCh38, 1-based): chr5:157,474,100, G>T. VCF-style: chr5-157474100-G-T. GRCh37 (hg19) VCF-style: chr5-156901108-G-T.
Other names: c.*1140G>T (NM_001172292.2).
Identifiers: ClinVar variation 352541 (VCV000352541.5), dbSNP rs74580303, ClinGen allele CA10623995.